The following is an entry in ClinVar:

ClinVar aggregate classification (germline): Uncertain significance. Review status: criteria provided, multiple submitters, no conflicts (2 of 4 stars). 2 submissions from 2 submitters: Uncertain significance (2). Last evaluated 2024-07-23.

Conditions:
Hypertrophic cardiomyopathy 4. Also called: Familial hypertrophic cardiomyopathy 4. Identifiers: MedGen C1861862, MONDO:0007268, OMIM 115197.

Submissions (2):

Dasa
Classification: Uncertain significance. Last evaluated: 2024-07-23. Review status: criteria provided, single submitter. Criteria: DASA Assertion Criteria. Collection method: clinical testing. Allele origin: germline.
Comment: NM_000256.3(MYBPC3):c.3785C>T (p.Ala1262Val) is a missense variant that results in the substitution of alanine with valine. Multiple computational predictions support a deleterious effect on the gene or gene product. Based on the available data, this variant is classified as variant of uncertain significance.

Centre for Mendelian Genomics, University Medical Centre Ljubljana
Classification: Uncertain significance for Hypertrophic cardiomyopathy 4. Last evaluated: 2019-04-12. Review status: criteria provided, single submitter. Criteria: ACMG Guidelines, 2015. Collection method: clinical testing. Allele origin: unknown. Affected: yes.
Comment: This variant was classified as: Uncertain significance. The available evidence favors the pathogenic nature of this variant, however the currently available data is insufficient to conclusively support its pathogenic nature. Thus this variant is classified as Uncertain significance - favor pathogenic. The following ACMG criteria were applied in classifying this variant: PM2,PP3.

NM_000256.3(MYBPC3):c.3785C>T (p.Ala1262Val)

Gene: MYBPC3 (myosin binding protein C3; minus strand). Cytogenetic location: 11p11.2.
Variant type: single nucleotide variant.
Coding change: c.3785C>T on transcript NM_000256.3 (MANE Select); coding-DNA position 3785, C replaced by T.
Protein change: p.Ala1262Val; replaces alanine 1262 with valine.
Molecular consequence: missense variant.
Genome position (GRCh38, 1-based): chr11:47,332,101, G>A on the plus strand (C>T on the coding strand, the complement: MYBPC3 is on the minus strand). VCF-style: chr11-47332101-G-A. GRCh37 (hg19) VCF-style: chr11-47353652-G-A.
Other names: short protein forms A1262V.
Identifiers: ClinVar variation 932074 (VCV000932074.4), dbSNP rs2095877651, ClinGen allele CA380310523.